The following is an entry in ClinVar:

NM_016729.3(FOLR1):c.447C>T (p.Ser149=)

Genes: FOLR1 (folate receptor alpha; plus strand), FOLR1-AS1 (FOLR1 antisense RNA 1; minus strand). Cytogenetic location: 11q13.4.
Variant type: single nucleotide variant.
Coding change: c.447C>T on transcript NM_016729.3 (MANE Select); coding-DNA position 447, C replaced by T.
Protein change: p.Ser149=; no amino-acid change (serine 149 retained).
Molecular consequence: synonymous variant.
Genome position (GRCh38, 1-based): chr11:72,195,701, C>T. VCF-style: chr11-72195701-C-T. GRCh37 (hg19) VCF-style: chr11-71906745-C-T.
Other names: c.447C>T, p.Ser149= (NM_000802.3, NM_016724.3, NM_016725.3); c.447C>T (NM_016724.2).
Identifiers: ClinVar variation 516079 (VCV000516079.19), dbSNP rs191657981, ClinGen allele CA6169193.

ClinVar aggregate classification (germline): Likely benign. Review status: criteria provided, multiple submitters, no conflicts (2 of 4 stars). 4 submissions from 4 submitters: Likely benign (3). 1 of the submissions does not count toward it. Last evaluated 2025-12-29.

Conditions:
Cerebral folate transport deficiency. Also called: Neurodegenerative syndrome due to cerebral folate transport deficiency; NEURODEGENERATION DUE TO CEREBRAL FOLATE TRANSPORT DEFICIENCY; FOLR1-Related Cerebral Folate Transport Deficiency; FOLATE RECEPTOR DEFICIENCY; Cerebral folate deficiency syndrome. Identifiers: Orphanet 217382, MedGen C2751584, MONDO:0013110, OMIM 613068. Disease mechanism: loss of function.
FOLR1-related disorder. Also called: FOLR1-related condition.

Allele frequency attached by ClinVar (database versions not stated): gnomAD 0.00002 and 0.00003; ExAC 0.00003; gnomAD exomes 0.00004; TOPMed 0.00004; 1000 Genomes Project 0.00020; 1000 Genomes Project 30x 0.00031.
gnomAD v4.1: 73 of 1,614,224 alleles (0.0045%); highest among the groups gnomAD compares: Middle Eastern, 0.049%; no homozygotes.

Submissions (4):

Labcorp Genetics (formerly Invitae), Labcorp
Classification: Likely benign for Cerebral folate transport deficiency. Last evaluated: 2025-12-29. Review status: criteria provided, single submitter. Criteria: Invitae Variant Classification Sherloc (09022015). Collection method: clinical testing. Allele origin: germline.

Genetic Services Laboratory, University of Chicago
Classification: Likely benign. Last evaluated: 2020-05-15. Review status: criteria provided, single submitter. Criteria: ACMG Guidelines, 2015. Collection method: clinical testing. Allele origin: germline. Affected: no.

GeneDx
Classification: Likely benign. Last evaluated: 2019-07-26. Review status: criteria provided, single submitter. Criteria: GeneDx Variant Classification Process June 2021. Collection method: clinical testing. Allele origin: germline. Affected: yes.

PreventionGenetics, part of Exact Sciences
Classification: Likely benign for FOLR1-related condition. Last evaluated: 2019-04-09. Review status: no assertion criteria provided. Collection method: clinical testing. Allele origin: germline. Not counted in ClinVar's aggregate classification.
Comment: This variant is classified as likely benign based on ACMG/AMP sequence variant interpretation guidelines (Richards et al. 2015 PMID: 25741868, with internal and published modifications).